The following is an entry in ClinVar:

ClinVar aggregate classification (germline): Uncertain significance. Review status: criteria provided, multiple submitters, no conflicts (2 of 4 stars). 4 submissions from 4 submitters: Uncertain significance (4). Last evaluated 2026-01-20.

Conditions:
Inborn genetic diseases. Identifiers: MedGen C0950123, MeSH D030342.
FAT4-related disorder. Also called: FAT4-related condition.
Van Maldergem syndrome 2 (VMLDS2). Identifiers: Orphanet 314679, MedGen C3809875, MONDO:0014242, OMIM 615546.
Hennekam lymphangiectasia-lymphedema syndrome 2 (HKLLS2). Identifiers: Orphanet 2136, MedGen C4014939, MONDO:0014454, OMIM 616006.

Allele frequency attached by ClinVar (database versions not stated): ExAC 0.00002; gnomAD 0.00008.
gnomAD v4.1: 80 of 1,614,014 alleles (0.005%); highest among the groups gnomAD compares: Admixed American, 0.015%; no homozygotes.

Submissions (4):

Labcorp Genetics (formerly Invitae), Labcorp
Classification: Uncertain significance. Last evaluated: 2026-01-20. Review status: criteria provided, single submitter. Criteria: Invitae Variant Classification Sherloc (09022015). Collection method: clinical testing. Allele origin: germline.
Comment: This sequence change replaces threonine, which is neutral and polar, with alanine, which is neutral and non-polar, at codon 747 of the FAT4 protein (p.Thr747Ala). This variant is present in population databases (rs780174313, gnomAD 0.009%). This variant has not been reported in the literature in individuals affected with FAT4-related conditions. ClinVar contains an entry for this variant (Variation ID: 1981015). Invitae Evidence Modeling of protein sequence and biophysical properties (such as structural, functional, and spatial information, amino acid conservation, physicochemical variation, residue mobility, and thermodynamic stability) indicates that this missense variant is expected to disrupt FAT4 protein function with a positive predictive value of 80%. In summary, the available evidence is currently insufficient to determine the role of this variant in disease. Therefore, it has been classified as a Variant of Uncertain Significance.

Ambry Genetics
Classification: Uncertain significance for Inborn genetic diseases. Last evaluated: 2025-07-15. Review status: criteria provided, single submitter. Criteria: Ambry Variant Classification Scheme 2023. Collection method: clinical testing. Allele origin: germline.

PreventionGenetics, part of Exact Sciences
Classification: Uncertain significance for FAT4-related condition. Last evaluated: 2024-12-28. Review status: criteria provided, single submitter. Criteria: ACMG Guidelines, 2015. Collection method: clinical testing. Allele origin: germline.
Comment: The FAT4 c.2239A>G variant is predicted to result in the amino acid substitution p.Thr747Ala. To our knowledge, this variant has not been reported in the literature. This variant is reported in 0.0085% of alleles in individuals of Latino descent in gnomAD. At this time, the clinical significance of this variant is uncertain due to the absence of conclusive functional and genetic evidence.

Fulgent Genetics
Classification: Uncertain significance for Van Maldergem syndrome 2; Hennekam lymphangiectasia-lymphedema syndrome 2. Last evaluated: 2024-03-22. Review status: criteria provided, single submitter. Criteria: ACMG Guidelines, 2015. Collection method: clinical testing. Allele origin: germline.

NM_001291303.3(FAT4):c.2239A>G (p.Thr747Ala)

Gene: FAT4 (FAT atypical cadherin 4; plus strand). Cytogenetic location: 4q28.1.
Variant type: single nucleotide variant.
Coding change: c.2239A>G on transcript NM_001291303.3 (MANE Select); coding-DNA position 2239, A replaced by G.
Protein change: p.Thr747Ala; replaces threonine 747 with alanine.
Molecular consequence: missense variant.
Genome position (GRCh38, 1-based): chr4:125,318,650, A>G. VCF-style: chr4-125318650-A-G. GRCh37 (hg19) VCF-style: chr4-126239805-A-G.
Other names: c.2239A>G (NM_024582.5, NM_001291303.1, NM_024582.4); c.2239A>G, p.Thr747Ala (NM_001291285.3, NM_024582.6); short protein forms T747A.
Identifiers: ClinVar variation 1981015 (VCV001981015.6), dbSNP rs780174313, ClinGen allele CA3072132.